The following is an entry in ClinVar:

NM_020987.5(ANK3):c.6772C>T (p.Pro2258Ser)

Genes: ANK3 (ankyrin 3; minus strand), LOC130003862 (ATAC-STARR-seq lymphoblastoid active region 3393; plus strand). Cytogenetic location: 10q21.2.
Variant type: single nucleotide variant.
Coding change: c.6772C>T on transcript NM_020987.5 (MANE Select); coding-DNA position 6772, C replaced by T.
Protein change: p.Pro2258Ser; replaces proline 2258 with serine.
Molecular consequence: missense variant. On other transcripts: intron variant (4).
Genome position (GRCh38, 1-based): chr10:60,074,109, G>A on the plus strand (C>T on the coding strand, the complement: ANK3 is on the minus strand). VCF-style: chr10-60074109-G-A. GRCh37 (hg19) VCF-style: chr10-61833867-G-A.
Other names: c.4388-6100C>T (NM_001204403.2); c.4409-6100C>T (NM_001204404.2); c.4406-6100C>T (NM_001320874.2); c.1808-6100C>T (NM_001149.4); c.6772C>T (NM_020987.3); short protein forms P2258S.
Identifiers: ClinVar variation 1901142 (VCV001901142.3), dbSNP rs767496680, ClinGen allele CA5511818.

ClinVar aggregate classification (germline): Uncertain significance. Review status: criteria provided, multiple submitters, no conflicts (2 of 4 stars). 2 submissions from 2 submitters: Uncertain significance (2). Last evaluated 2025-02-09.

Conditions:
Inborn genetic diseases. Identifiers: MedGen C0950123, MeSH D030342.

Allele frequency attached by ClinVar (database versions not stated): ExAC 0.00002; gnomAD 0.00003; TOPMed 0.00003; gnomAD exomes 0.00004.
gnomAD v4.1: 62 of 1,613,862 alleles (0.0038%); highest among the groups gnomAD compares: Non-Finnish European, 0.005%; no homozygotes.

Submissions (2):

Ambry Genetics
Classification: Uncertain significance for Inborn genetic diseases. Last evaluated: 2025-02-09. Review status: criteria provided, single submitter. Criteria: Ambry Variant Classification Scheme 2023. Collection method: clinical testing. Allele origin: germline.

Labcorp Genetics (formerly Invitae), Labcorp
Classification: Uncertain significance. Last evaluated: 2022-02-11. Review status: criteria provided, single submitter. Criteria: Invitae Variant Classification Sherloc (09022015). Collection method: clinical testing. Allele origin: germline.
Comment: This sequence change replaces proline, which is neutral and non-polar, with serine, which is neutral and polar, at codon 2258 of the ANK3 protein (p.Pro2258Ser). This variant is present in population databases (rs767496680, gnomAD 0.006%). This variant has not been reported in the literature in individuals affected with ANK3-related conditions. Algorithms developed to predict the effect of missense changes on protein structure and function are either unavailable or do not agree on the potential impact of this missense change (SIFT: "Not Available"; PolyPhen-2: "Probably Damaging"; Align-GVGD: "Not Available"). In summary, the available evidence is currently insufficient to determine the role of this variant in disease. Therefore, it has been classified as a Variant of Uncertain Significance.